The following is an entry in ClinVar:

ClinVar aggregate classification (germline): Uncertain significance. Review status: criteria provided, multiple submitters, no conflicts (2 of 4 stars). 2 submissions from 2 submitters: Uncertain significance (2). Last evaluated 2025-12-30.

gnomAD v4.1: 10 of 1,614,050 alleles (0.00062%); highest among the groups gnomAD compares: Admixed American, 0.017%; no homozygotes.

Submissions (2):

Labcorp Genetics (formerly Invitae), Labcorp
Classification: Uncertain significance. Last evaluated: 2025-12-30. Review status: criteria provided, single submitter. Criteria: Invitae Variant Classification Sherloc (09022015). Collection method: clinical testing. Allele origin: germline.
Comment: This sequence change replaces valine, which is neutral and non-polar, with leucine, which is neutral and non-polar, at codon 34 of the ARHGEF1 protein (p.Val34Leu). This variant is present in population databases (rs781904321, gnomAD 0.03%). This variant has not been reported in the literature in individuals affected with ARHGEF1-related conditions. ClinVar contains an entry for this variant (Variation ID: 1511143). An algorithm developed to predict the effect of missense changes on protein structure and function (PolyPhen-2) suggests that this variant is likely to be tolerated. In summary, the available evidence is currently insufficient to determine the role of this variant in disease. Therefore, it has been classified as a Variant of Uncertain Significance.

Ambry Genetics
Classification: Uncertain significance. Last evaluated: 2022-07-13. Review status: criteria provided, single submitter. Criteria: Ambry Variant Classification Scheme 2023. Collection method: clinical testing. Allele origin: germline.

NM_004706.4(ARHGEF1):c.55G>C (p.Val19Leu)

Gene: ARHGEF1 (Rho guanine nucleotide exchange factor 1; plus strand). Cytogenetic location: 19q13.2.
Variant type: single nucleotide variant.
Coding change: c.55G>C on transcript NM_004706.4 (MANE Select); coding-DNA position 55, G replaced by C.
Protein change: p.Val19Leu; replaces valine 19 with leucine.
Molecular consequence: missense variant.
Genome position (GRCh38, 1-based): chr19:41,888,222, G>C. VCF-style: chr19-41888222-G-C. GRCh37 (hg19) VCF-style: chr19-42392293-G-C.
Other names: c.55G>C, p.Val19Leu (NM_198977.2); c.100G>C, p.Val34Leu (NM_199002.2); c.100G>C (NM_199002.1); short protein forms V19L, V34L.
Identifiers: ClinVar variation 1511143 (VCV001511143.9), dbSNP rs781904321, ClinGen allele CA9465766.
Genomic context (GRCh38, chr19:41,888,222, plus strand): 5'-GTGGACTGAAGCTGCCCTCCCTTTCCACAGGCCTCCCCAGGCCCCTCCCGGCCTGGCCTG[G>C]TTCCCGTCAGCATCATCGGGGCTGAGGATGAGGATTTTGAGAACGAGCTGGAGACAGTGA-3'
Protein context (NP_004697.2, residues 9-29): ASPGPSRPGL[Val19Leu]PVSIIGAEDE